The following is an entry in ClinVar:

NM_004006.3(DMD):c.1147G>T (p.Glu383Ter)

Gene: DMD (dystrophin; minus strand). Cytogenetic location: Xp21.1.
Variant type: single nucleotide variant.
Coding change: c.1147G>T on transcript NM_004006.3 (MANE Select); coding-DNA position 1147, G replaced by T.
Protein change: p.Glu383Ter; replaces glutamic acid 383 with a stop codon.
Molecular consequence: nonsense.
Genome position (GRCh38, 1-based): chrX:32,644,966, C>A on the plus strand (G>T on the coding strand, the complement: DMD is on the minus strand). VCF-style: chrX-32644966-C-A. GRCh37 (hg19) VCF-style: chrX-32663083-C-A.
Other names: c.1135G>T, p.Glu379Ter (NM_004009.3); c.778G>T, p.Glu260Ter (NM_004010.3); c.1123G>T, p.Glu375Ter (NM_000109.4); short protein forms E375*, E383*, E260*, E379*.
Identifiers: ClinVar variation 803933 (VCV000803933.2), dbSNP rs1602467530, ClinGen allele CA412661615.

ClinVar aggregate classification (germline): Pathogenic. Review status: criteria provided, multiple submitters, no conflicts (2 of 4 stars). 2 submissions from 2 submitters: Pathogenic (2). Last evaluated 2024-05-08.

Conditions:
Duchenne muscular dystrophy (DMD). Also called: Duchenne Muscular Dystrophy (DMD); MUSCULAR DYSTROPHY, PSEUDOHYPERTROPHIC PROGRESSIVE, DUCHENNE TYPE. Identifiers: Orphanet 98896, MedGen C0013264, MONDO:0010679, OMIM 310200.
Progressive muscular dystrophy. Identifiers: Orphanet 206644, MedGen C4551827, MONDO:0016106.

Submissions (2):

Myriad Genetics, Inc.
Classification: Pathogenic for Progressive muscular dystrophy. Last evaluated: 2024-05-08. Review status: criteria provided, single submitter. Criteria: Myriad Autosomal Dominant, Autosomal Recessive and X-Linked Classification Criteria (2023). Collection method: clinical testing. Allele origin: unknown.
Comment: NM_004006.2(DMD):c.1147G>T(E383*) is expected to be pathogenic in the context of dystrophinopathy (including Duchenne/Becker muscular dystrophy). This variant is predicted to lead to an abnormal or absent protein product due to the creation of a premature termination codon in DMD, a gene where loss-of-function variants are known to be pathogenic. Please note: this variant was assessed in the context of healthy population screening.

Mendelics
Classification: Pathogenic for Duchenne muscular dystrophy. Last evaluated: 2019-05-28. Review status: criteria provided, single submitter. Criteria: Mendelics Assertion Criteria 2017. Collection method: clinical testing. Allele origin: unknown.